The following is an entry in ClinVar:

NM_020337.3(ANKRD50):c.3839G>T (p.Gly1280Val)

Gene: ANKRD50 (ankyrin repeat domain 50; minus strand). Cytogenetic location: 4q28.1.
Variant type: single nucleotide variant.
Coding change: c.3839G>T on transcript NM_020337.3 (MANE Select); coding-DNA position 3839, G replaced by T.
Protein change: p.Gly1280Val; replaces glycine 1280 with valine.
Molecular consequence: missense variant.
Genome position (GRCh38, 1-based): chr4:124,669,438, C>A on the plus strand (G>T on the coding strand, the complement: ANKRD50 is on the minus strand). VCF-style: chr4-124669438-C-A. GRCh37 (hg19) VCF-style: chr4-125590593-C-A.
Other names: c.3302G>T, p.Gly1101Val (NM_001167882.2); short protein forms G1280V, G1101V.
Identifiers: ClinVar variation 4640993 (VCV004640993.1).

ClinVar aggregate classification (germline): Uncertain significance (1 of 4 stars; one submission).

gnomAD v4.1: 55 of 1,612,686 alleles (0.0034%); highest among the groups gnomAD compares: East Asian, 0.12%; no homozygotes.

Submission:

Ambry Genetics
Classification: Uncertain significance. Last evaluated: 2025-09-21. Review status: criteria provided, single submitter. Criteria: Ambry Variant Classification Scheme 2023. Collection method: clinical testing. Allele origin: germline.
Comment: The c.3839G>T (p.G1280V) alteration is located in exon 4 (coding exon 3) of the ANKRD50 gene. This alteration results from a G to T substitution at nucleotide position 3839, causing the glycine (G) at amino acid position 1280 to be replaced by a valine (V). Based on data from gnomAD, the T allele has an overall frequency of 0.003% (8/248858) total alleles studied. The highest observed frequency was 0.044% (8/18342) of East Asian alleles. Based on insufficient or conflicting evidence, the clinical significance of this alteration remains unclear.